The following is an entry in ClinVar:

NM_000393.5(COL5A2):c.1923+8T>C

Gene: COL5A2 (collagen type V alpha 2 chain; minus strand). Cytogenetic location: 2q32.2.
Variant type: single nucleotide variant.
Coding change: c.1923+8T>C on transcript NM_000393.5 (MANE Select); 8 bases into the intron after coding-DNA position 1923, T replaced by C.
Molecular consequence: intron variant.
Genome position (GRCh38, 1-based): chr2:189,063,002, A>G on the plus strand (T>C on the coding strand, the complement: COL5A2 is on the minus strand). VCF-style: chr2-189063002-A-G. GRCh37 (hg19) VCF-style: chr2-189927728-A-G.
Identifiers: ClinVar variation 333144 (VCV000333144.20), dbSNP rs191193125, ClinGen allele CA2022528.

ClinVar aggregate classification (germline): Benign/Likely benign. Review status: criteria provided, multiple submitters, no conflicts (2 of 4 stars). 5 submissions from 5 submitters: Benign (2); Likely benign (3). Last evaluated 2026-03-20.

Conditions:
Ehlers-Danlos syndrome, classic type, 1 (EDSCL1). Also called: Ehlers-Danlos Syndrome, Classic Type, COL5A1-Related; EDS I; EHLERS-DANLOS SYNDROME, GRAVIS TYPE; EHLERS-DANLOS SYNDROME, SEVERE CLASSIC TYPE; Ehlers-Danlos syndrome, type 1. Identifiers: MedGen C0268335, MONDO:0019567, OMIM 130000.
Ehlers-Danlos syndrome, classic type, 2 (EDSCL2). Also called: Ehlers-Danlos Syndrome, Classic Type, COL5A2-Related; Ehlers-Danlos syndrome type 2 (formerly); Ehlers-Danlos syndrome, type 2. Identifiers: Orphanet 287, Orphanet 90318, MedGen C0268336, MONDO:0019568, OMIM 130010.

Allele frequency attached by ClinVar (database versions not stated): gnomAD exomes 0.00006 and 0.00021; ExAC 0.00011; gnomAD 0.00029; TOPMed 0.00040; 1000 Genomes Project 30x 0.00078; 1000 Genomes Project 0.00080.
gnomAD v4.1: 141 of 1,614,120 alleles (0.0087%); highest among the groups gnomAD compares: Admixed American, 0.15%; no homozygotes.

Submissions (5):

Women's Health and Genetics/Laboratory Corporation of America, LabCorp
Classification: Benign. Last evaluated: 2026-03-20. Review status: criteria provided, single submitter. Criteria: LabCorp Variant Classification Summary - May 2015. Collection method: clinical testing. Allele origin: germline.

Labcorp Genetics (formerly Invitae), Labcorp
Classification: Likely benign for Ehlers-Danlos syndrome, classic type, 1. Last evaluated: 2026-01-04. Review status: criteria provided, single submitter. Criteria: Invitae Variant Classification Sherloc (09022015). Collection method: clinical testing. Allele origin: germline.

Blueprint Genetics
Classification: Likely benign. Last evaluated: 2023-10-23. Review status: criteria provided, single submitter. Criteria: ACMG Guidelines, 2015. Collection method: clinical testing. Allele origin: germline.

Illumina Laboratory Services, Illumina
Classification: Likely benign for Ehlers-Danlos syndrome, classic type, 2. Last evaluated: 2018-01-13. Review status: criteria provided, single submitter. Criteria: ICSL Variant Classification Criteria 13 December 2019. Collection method: clinical testing. Allele origin: germline.
Comment: This variant was observed in the ICSL laboratory as part of a predisposition screen in an ostensibly healthy population. It had not been previously curated by ICSL or reported in the Human Gene Mutation Database (HGMD: prior to June 1st, 2018), and was therefore a candidate for classification through an automated scoring system. Utilizing variant allele frequency, disease prevalence and penetrance estimates, and inheritance mode, an automated score was calculated to assess if this variant is too frequent to cause the disease. Based on the score and internal cut-off values, a variant classified as likely benign is not then subjected to further curation. The score for this variant resulted in a classification of likely benign for this disease.

GeneDx
Classification: Benign. Last evaluated: 2017-03-07. Review status: criteria provided, single submitter. Criteria: GeneDx Variant Classification (06012015). Collection method: clinical testing. Allele origin: germline. Affected: yes.
Comment: This variant is considered likely benign or benign based on one or more of the following criteria: it is a conservative change, it occurs at a poorly conserved position in the protein, it is predicted to be benign by multiple in silico algorithms, and/or has population frequency not consistent with disease.